The following is an entry in ClinVar:

ClinVar aggregate classification (germline): Uncertain significance (1 of 4 stars; one submission).

Submission:

Labcorp Genetics (formerly Invitae), Labcorp
Classification: Uncertain significance. Last evaluated: 2021-12-28. Review status: criteria provided, single submitter. Criteria: Invitae Variant Classification Sherloc (09022015). Collection method: clinical testing. Allele origin: germline.
Comment: This sequence change replaces phenylalanine, which is neutral and non-polar, with leucine, which is neutral and non-polar, at codon 186 of the CPLANE1 protein (p.Phe186Leu). This variant is not present in population databases (gnomAD no frequency). This variant has not been reported in the literature in individuals affected with CPLANE1-related conditions. Advanced modeling of protein sequence and biophysical properties (such as structural, functional, and spatial information, amino acid conservation, physicochemical variation, residue mobility, and thermodynamic stability) performed at Invitae indicates that this missense variant is expected to disrupt CPLANE1 protein function. In summary, the available evidence is currently insufficient to determine the role of this variant in disease. Therefore, it has been classified as a Variant of Uncertain Significance.

NM_001384732.1(CPLANE1):c.558T>A (p.Phe186Leu)

Gene: CPLANE1 (ciliogenesis and planar polarity effector complex subunit 1; minus strand). Cytogenetic location: 5p13.2.
Variant type: single nucleotide variant.
Coding change: c.558T>A on transcript NM_001384732.1 (MANE Select); coding-DNA position 558, T replaced by A.
Protein change: p.Phe186Leu; replaces phenylalanine 186 with leucine.
Molecular consequence: missense variant.
Genome position (GRCh38, 1-based): chr5:37,244,387, A>T on the plus strand (T>A on the coding strand, the complement: CPLANE1 is on the minus strand). VCF-style: chr5-37244387-A-T. GRCh37 (hg19) VCF-style: chr5-37244489-A-T.
Other names: c.558T>A, p.Phe186Leu (NM_023073.4); short protein forms F186L.
Identifiers: ClinVar variation 1505910 (VCV001505910.6), dbSNP rs2150793941, ClinGen allele CA359521149.